The following is an entry in ClinVar:

NM_001130144.3(LTBP3):c.3839_3840delinsAA (p.Phe1280Ter)

Gene: LTBP3 (latent transforming growth factor beta binding protein 3; minus strand). Cytogenetic location: 11q13.1.
Variant type: Indel.
Coding change: c.3839_3840delinsAA on transcript NM_001130144.3 (MANE Select); coding-DNA positions 3839 to 3840, TC replaced by AA.
Protein change: p.Phe1280Ter; replaces phenylalanine 1280 with a stop codon.
Molecular consequence: nonsense.
Genome position (GRCh38, 1-based): chr11:65,539,152-65,539,153, GA replaced by TT on the plus strand (TC replaced by AA on the coding strand, the reverse complement: LTBP3 is on the minus strand). VCF-style: chr11-65539152-GA-TT. GRCh37 (hg19) VCF-style: chr11-65306623-GA-TT.
Other names: c.3347_3348delinsAA, p.Phe1116Ter (NM_001164266.1); c.3839_3840delinsAA (NM_001130144.2); c.3698_3699delinsAA, p.Phe1233Ter (NM_021070.4); short protein forms F1280*, F1116*, F1233*.
Identifiers: ClinVar variation 1940858 (VCV001940858.7), dbSNP rs2496108954, ClinGen allele CA2580084466.

ClinVar aggregate classification (germline): Uncertain significance. Review status: criteria provided, single submitter (1 of 4 stars). 2 submissions from 2 submitters: Uncertain significance (1). 1 of the submissions does not count toward it. Last evaluated 2026-01-12.

Conditions:
Brachyolmia-amelogenesis imperfecta syndrome. Also called: PLATYSPONDYLY WITH AMELOGENESIS IMPERFECTA; Tooth agenesis, selective, 6; Dental anomalies and short stature. Identifiers: Orphanet 2899, MedGen C1832594, MONDO:0011018, OMIM 601216. Disease mechanism: loss of function.
LTBP3-related disorder. Also called: LTBP3-related condition.

Submissions (2):

Labcorp Genetics (formerly Invitae), Labcorp
Classification: Uncertain significance for Brachyolmia-amelogenesis imperfecta syndrome. Last evaluated: 2026-01-12. Review status: criteria provided, single submitter. Criteria: Invitae Variant Classification Sherloc (09022015). Collection method: clinical testing. Allele origin: germline.
Comment: This sequence change creates a premature translational stop signal (p.Phe1280*) in the LTBP3 gene. While this is not anticipated to result in nonsense mediated decay, it is expected to disrupt the last 24 amino acid(s) of the LTBP3 protein. This variant is present in population databases (no rsID available, gnomAD 0.003%). This variant has not been reported in the literature in individuals affected with LTBP3-related conditions. ClinVar contains an entry for this variant (Variation ID: 1940858). Experimental studies and prediction algorithms are not available or were not evaluated, and the functional significance of this variant is currently unknown. In summary, the available evidence is currently insufficient to determine the role of this variant in disease. Therefore, it has been classified as a Variant of Uncertain Significance.

PreventionGenetics, part of Exact Sciences
Classification: Uncertain significance for LTBP3-related condition. Last evaluated: 2024-01-17. Review status: no assertion criteria provided. Collection method: clinical testing. Allele origin: germline. Not counted in ClinVar's aggregate classification.
Comment: The LTBP3 c.3839_3840delinsAA variant is predicted to result in premature protein termination (p.Phe1280*). To our knowledge, this variant has not been reported in the literature or in a large population database, indicating this variant is rare. While loss of function variants have been reported as causative in LTBP3, few such variants have been reported downstream of this variant. Therefore, it is unclear if this variant impacts protein function. Although we suspect that this variant may be pathogenic, at this time, the clinical significance of this variant is uncertain due to the absence of conclusive functional and genetic evidence.